The following is an entry in ClinVar:

NM_017841.4(SDHAF2):c.178G>A (p.Asp60Asn)

Gene: SDHAF2 (succinate dehydrogenase complex assembly factor 2; plus strand). Cytogenetic location: 11q12.2.
Variant type: single nucleotide variant.
Coding change: c.178G>A on transcript NM_017841.4 (MANE Select); coding-DNA position 178, G replaced by A.
Protein change: p.Asp60Asn; replaces aspartic acid 60 with asparagine.
Molecular consequence: missense variant.
Genome position (GRCh38, 1-based): chr11:61,437,766, G>A. VCF-style: chr11-61437766-G-A. GRCh37 (hg19) VCF-style: chr11-61205238-G-A.
Other names: short protein forms D60N.
Identifiers: ClinVar variation 2126573 (VCV002126573.5), dbSNP rs2540124263, ClinGen allele CA380683484.

ClinVar aggregate classification (germline): Uncertain significance. Review status: criteria provided, multiple submitters, no conflicts (2 of 4 stars). 2 submissions from 2 submitters: Uncertain significance (2). Last evaluated 2024-02-16.

Conditions:
Hereditary pheochromocytoma and paraganglioma. Also called: Hereditary paragangliomas and pheochromocytomas; Hereditary Paraganglioma-Pheochromocytoma Syndromes; Hereditary pheochromocytoma-paraganglioma. Identifiers: Orphanet 29072, MedGen C4274332, MONDO:0017366.
Hereditary cancer-predisposing syndrome. Also called: Tumor predisposition; Hereditary Cancer Syndrome; Hereditary neoplastic syndrome; Neoplastic Syndromes, Hereditary. Identifiers: Orphanet 140162, MedGen C0027672, MeSH D009386, MONDO:0015356.

Submissions (2):

Ambry Genetics
Classification: Uncertain significance for Hereditary cancer-predisposing syndrome. Last evaluated: 2024-02-16. Review status: criteria provided, single submitter. Criteria: Ambry Variant Classification Scheme 2023. Collection method: clinical testing. Allele origin: germline.
Comment: The p.D60N variant (also known as c.178G>A), located in coding exon 2 of the SDHAF2 gene, results from a G to A substitution at nucleotide position 178. The aspartic acid at codon 60 is replaced by asparagine, an amino acid with highly similar properties. This amino acid position is conserved. In addition, this alteration is predicted to be tolerated by in silico analysis. Based on the available evidence, the clinical significance of this alteration remains unclear.

Labcorp Genetics (formerly Invitae), Labcorp
Classification: Uncertain significance for Hereditary pheochromocytoma and paraganglioma. Last evaluated: 2022-04-15. Review status: criteria provided, single submitter. Criteria: Invitae Variant Classification Sherloc (09022015). Collection method: clinical testing. Allele origin: germline.
Comment: In summary, the available evidence is currently insufficient to determine the role of this variant in disease. Therefore, it has been classified as a Variant of Uncertain Significance. Algorithms developed to predict the effect of missense changes on protein structure and function (SIFT, PolyPhen-2, Align-GVGD) all suggest that this variant is likely to be tolerated. This variant has not been reported in the literature in individuals affected with SDHAF2-related conditions. This variant is not present in population databases (gnomAD no frequency). This sequence change replaces aspartic acid, which is acidic and polar, with asparagine, which is neutral and polar, at codon 60 of the SDHAF2 protein (p.Asp60Asn).